The following is an entry in ClinVar:

NM_007254.4(PNKP):c.1556_1557del (p.Phe518_Ser519insTer)

Gene: PNKP (polynucleotide kinase 3'-phosphatase; minus strand). Cytogenetic location: 19q13.33.
Variant type: Deletion.
Coding change: c.1556_1557del on transcript NM_007254.4 (MANE Select); coding-DNA positions 1556 to 1557, 2 bases deleted (CC; older notation c.1556_1557delCC).
Protein change: p.Phe518_Ser519insTer.
Molecular consequence: nonsense.
Genome position (GRCh38, 1-based): chr19:49,861,257-49,861,258, GG deleted on the plus strand (CC on the coding strand, the reverse complement: PNKP is on the minus strand). VCF-style (leftmost placement, unchanged base first): chr19-49861256-CGG-C. GRCh37 (hg19) VCF-style: chr19-50364513-CGG-C.
Identifiers: ClinVar variation 3776090 (VCV003776090.1).

ClinVar aggregate classification (germline): Uncertain significance (1 of 4 stars; one submission).

Conditions:
Microcephaly, seizures, and developmental delay. Identifiers: Orphanet 1934, MedGen C3150667, MONDO:0013254, OMIM 613402.

Submission:

3billion
Classification: Uncertain significance for Microcephaly, seizures, and developmental delay. Last evaluated: 2023-11-24. Review status: criteria provided, single submitter. Criteria: ACMG Guidelines, 2015. Collection method: clinical testing. Allele origin: germline. Affected: yes.
Comment: The variant is not observed in the gnomAD v2.1.1 dataset. Predicted Consequence/Location: Stop-gained (nonsense): predicted to result in a loss or disruption of normal protein function through protein truncation. The predicted truncated protein may be shortened by less than 10%. Therefore, this variant is classified as VUS according to the recommendation of ACMG/AMP guideline.